The following is an entry in ClinVar:

NM_006231.4(POLE):c.6038A>G (p.Asp2013Gly)

Gene: POLE (DNA polymerase epsilon, catalytic subunit; minus strand). Cytogenetic location: 12q24.33.
Variant type: single nucleotide variant.
Coding change: c.6038A>G on transcript NM_006231.4 (MANE Select); coding-DNA position 6038, A replaced by G.
Protein change: p.Asp2013Gly; replaces aspartic acid 2013 with glycine.
Molecular consequence: missense variant.
Genome position (GRCh38, 1-based): chr12:132,632,762, T>C on the plus strand (A>G on the coding strand, the complement: POLE is on the minus strand). VCF-style: chr12-132632762-T-C. GRCh37 (hg19) VCF-style: chr12-133209348-T-C.
Other names: c.6038A>G (NM_006231.2); short protein forms D2013G.
Identifiers: ClinVar variation 999552 (VCV000999552.9), dbSNP rs2041960971, ClinGen allele CA387370799.
Genomic context (GRCh38, chr12:132,632,762, plus strand): 5'-AGCTGGCTGGCCCCCCTCCTCCTCACGGGGGTGCTCCCTGGAGCACTGCGCCTCAGCCCG[T>C]CCTTCATGCAGTGGTACACGGCCACGATGTACGCTGTGGAGAGGCACACACACCACAGGC-3'
Protein context (NP_006222.2, residues 2003-2023): YIVAVYHCMK[Asp2013Gly]GLRRSAPGST

ClinVar aggregate classification (germline): Uncertain significance. Review status: criteria provided, multiple submitters, no conflicts (2 of 4 stars). 2 submissions from 2 submitters: Uncertain significance (2). Last evaluated 2023-11-15.

Conditions:
Hereditary cancer-predisposing syndrome. Also called: Neoplastic Syndromes, Hereditary; Tumor predisposition; Hereditary Cancer Syndrome; Hereditary neoplastic syndrome. Identifiers: Orphanet 140162, MedGen C0027672, MeSH D009386, MONDO:0015356.

Submissions (2):

Ambry Genetics
Classification: Uncertain significance for Hereditary cancer-predisposing syndrome. Last evaluated: 2023-11-15. Review status: criteria provided, single submitter. Criteria: Ambry Variant Classification Scheme 2023. Collection method: clinical testing. Allele origin: germline.
Comment: The p.D2013G variant (also known as c.6038A>G), located in coding exon 44 of the POLE gene, results from an A to G substitution at nucleotide position 6038. The aspartic acid at codon 2013 is replaced by glycine, an amino acid with similar properties. This amino acid position is conserved. In addition, this alteration is predicted to be tolerated by in silico analysis. Since supporting evidence is limited at this time, the clinical significance of this alteration remains unclear.

Labcorp Genetics (formerly Invitae), Labcorp
Classification: Uncertain significance. Last evaluated: 2020-07-12. Review status: criteria provided, single submitter. Criteria: Invitae Variant Classification Sherloc (09022015). Collection method: clinical testing. Allele origin: germline.
Comment: This variant has not been reported in the literature in individuals with POLE-related conditions. In summary, the available evidence is currently insufficient to determine the role of this variant in disease. Therefore, it has been classified as a Variant of Uncertain Significance. Algorithms developed to predict the effect of missense changes on protein structure and function (SIFT, PolyPhen-2, Align-GVGD) all suggest that this variant is likely to be tolerated, but these predictions have not been confirmed by published functional studies and their clinical significance is uncertain. This variant is not present in population databases (ExAC no frequency). This sequence change replaces aspartic acid with glycine at codon 2013 of the POLE protein (p.Asp2013Gly). The aspartic acid residue is weakly conserved and there is a moderate physicochemical difference between aspartic acid and glycine.